The following is an entry in ClinVar:

ClinVar aggregate classification (germline): Uncertain significance (1 of 4 stars; one submission).

Submission:

Labcorp Genetics (formerly Invitae), Labcorp
Classification: Uncertain significance. Last evaluated: 2021-11-10. Review status: criteria provided, single submitter. Criteria: Invitae Variant Classification Sherloc (09022015). Collection method: clinical testing. Allele origin: germline.
Comment: This sequence change replaces histidine, which is basic and polar, with glutamine, which is neutral and polar, at codon 16 of the GEN1 protein (p.His16Gln). This variant is not present in population databases (gnomAD no frequency). This variant has not been reported in the literature in individuals affected with GEN1-related conditions. Algorithms developed to predict the effect of missense changes on protein structure and function are either unavailable or do not agree on the potential impact of this missense change (SIFT: "Tolerated"; PolyPhen-2: "Possibly Damaging"; Align-GVGD: "Class C0"). In summary, the available evidence is currently insufficient to determine the role of this variant in disease. Therefore, it has been classified as a Variant of Uncertain Significance.

NM_001130009.3(GEN1):c.48C>A (p.His16Gln)

Gene: GEN1 (GEN1 structure-specific endonuclease; plus strand). Cytogenetic location: 2p24.2.
Variant type: single nucleotide variant.
Coding change: c.48C>A on transcript NM_001130009.3 (MANE Select); coding-DNA position 48, C replaced by A.
Protein change: p.His16Gln; replaces histidine 16 with glutamine.
Molecular consequence: missense variant.
Genome position (GRCh38, 1-based): chr2:17,759,991, C>A. VCF-style: chr2-17759991-C-A. GRCh37 (hg19) VCF-style: chr2-17941258-C-A.
Other names: c.48C>A, p.His16Gln (NM_182625.5); short protein forms H16Q.
Identifiers: ClinVar variation 1487086 (VCV001487086.6), dbSNP rs2125119350, ClinGen allele CA345904982.